The following is an entry in ClinVar:

NM_017654.4(SAMD9):c.316C>T (p.Arg106Cys)

Gene: SAMD9 (sterile alpha motif domain containing 9; minus strand). Cytogenetic location: 7q21.2.
Variant type: single nucleotide variant.
Coding change: c.316C>T on transcript NM_017654.4 (MANE Select); coding-DNA position 316, C replaced by T.
Protein change: p.Arg106Cys; replaces arginine 106 with cysteine.
Molecular consequence: missense variant.
Genome position (GRCh38, 1-based): chr7:93,105,782, G>A on the plus strand (C>T on the coding strand, the complement: SAMD9 is on the minus strand). VCF-style: chr7-93105782-G-A. GRCh37 (hg19) VCF-style: chr7-92735095-G-A.
Other names: c.316C>T (NM_017654.3); c.316C>T, p.Arg106Cys (NM_001193307.2); short protein forms R106C.
Identifiers: ClinVar variation 1005053 (VCV001005053.10), dbSNP rs770339001, ClinGen allele CA4343169.

ClinVar aggregate classification (germline): Conflicting classifications of pathogenicity. Review status: criteria provided, conflicting classifications (1 of 4 stars). 5 submissions from 5 submitters: Uncertain significance (1); Likely benign (4). Last evaluated 2026-01-27.

Conditions:
Intellectual disability. Also called: Intellectual functioning disability; intellectual disabilities; Intellectual developmental disorder. Identifiers: MedGen C3714756, MeSH D008607, MONDO:0001071, HP:0001249.
Inborn genetic diseases. Identifiers: MedGen C0950123, MeSH D030342.

Allele frequency attached by ClinVar (database versions not stated): gnomAD 0.00003 and 0.00004; TOPMed 0.00003.

Submissions (5):

Labcorp Genetics (formerly Invitae), Labcorp
Classification: Likely benign. Last evaluated: 2026-01-27. Review status: criteria provided, single submitter. Criteria: Invitae Variant Classification Sherloc (09022015). Collection method: clinical testing. Allele origin: germline.

GeneDx
Classification: Uncertain significance. Last evaluated: 2024-07-03. Review status: criteria provided, single submitter. Criteria: GeneDx Variant Classification Process June 2021. Collection method: clinical testing. Allele origin: germline. Affected: yes.
Comment: In silico analysis indicates that this missense variant does not alter protein structure/function; Observed in an individual with ectopic mineralization who was also homozygous for a pathogenic variant in the ABCC6 gene (PMID: 34906475); This variant is associated with the following publications: (PMID: 34906475)

Blueprint Genetics
Classification: Likely benign. Last evaluated: 2023-12-11. Review status: criteria provided, single submitter. Criteria: ACMG Guidelines, 2015. Collection method: clinical testing. Allele origin: germline.

Ambry Genetics
Classification: Likely benign for Inborn genetic diseases. Last evaluated: 2021-07-13. Review status: criteria provided, single submitter. Criteria: Ambry Variant Classification Scheme 2023. Collection method: clinical testing. Allele origin: germline.

Cambridge Genomics Laboratory, East Genomic Laboratory Hub, NHS Genomic Medicine Service
Classification: Likely benign for Intellectual disability. Last evaluated: 2020-03-20. Review status: criteria provided, single submitter. Criteria: ACGS Best Practice Guidelines for Variant Classification in Rare Disease 2020. Collection method: clinical testing. Allele origin: germline. Affected: yes. Observed: 1 variant allele.